The following is an entry in ClinVar:

ClinVar aggregate classification (germline): Uncertain significance. Review status: criteria provided, multiple submitters, no conflicts (2 of 4 stars). 2 submissions from 2 submitters: Uncertain significance (2). Last evaluated 2025-11-04.

Conditions:
Hereditary cancer-predisposing syndrome. Also called: Hereditary neoplastic syndrome; Neoplastic Syndromes, Hereditary; Tumor predisposition; Hereditary Cancer Syndrome. Identifiers: Orphanet 140162, MedGen C0027672, MeSH D009386, MONDO:0015356.
Oligodontia-cancer predisposition syndrome. Also called: TOOTH AGENESIS-COLORECTAL CANCER SYNDROME. Identifiers: Orphanet 300576, MedGen C1837750, MONDO:0012075, OMIM 608615. Disease mechanism: loss of function.

Allele frequency attached by ClinVar (database versions not stated): gnomAD 0.00001.

Submissions (2):

Labcorp Genetics (formerly Invitae), Labcorp
Classification: Uncertain significance for Oligodontia-cancer predisposition syndrome. Last evaluated: 2025-11-04. Review status: criteria provided, single submitter. Criteria: Invitae Variant Classification Sherloc (09022015). Collection method: clinical testing. Allele origin: germline.
Comment: This sequence change replaces proline, which is neutral and non-polar, with alanine, which is neutral and non-polar, at codon 711 of the AXIN2 protein (p.Pro711Ala). This variant is not present in population databases (gnomAD no frequency). This variant has not been reported in the literature in individuals affected with AXIN2-related conditions. ClinVar contains an entry for this variant (Variation ID: 1510486). Invitae Evidence Modeling of protein sequence and biophysical properties (such as structural, functional, and spatial information, amino acid conservation, physicochemical variation, residue mobility, and thermodynamic stability) indicates that this missense variant is not expected to disrupt AXIN2 protein function with a negative predictive value of 80%. In summary, the available evidence is currently insufficient to determine the role of this variant in disease. Therefore, it has been classified as a Variant of Uncertain Significance.

Ambry Genetics
Classification: Uncertain significance for Hereditary cancer-predisposing syndrome. Last evaluated: 2025-10-16. Review status: criteria provided, single submitter. Criteria: Ambry Variant Classification Scheme 2023. Collection method: clinical testing. Allele origin: germline.
Comment: The p.P711A variant (also known as c.2131C>G), located in coding exon 7 of the AXIN2 gene, results from a C to G substitution at nucleotide position 2131. The proline at codon 711 is replaced by alanine, an amino acid with highly similar properties. This amino acid position is conserved. In addition, this alteration is predicted to be tolerated by in silico analysis. Since supporting evidence is limited at this time, the clinical significance of this alteration remains unclear.

NM_004655.4(AXIN2):c.2131C>G (p.Pro711Ala)

Gene: AXIN2 (axin 2; minus strand). Cytogenetic location: 17q24.1.
Variant type: single nucleotide variant.
Coding change: c.2131C>G on transcript NM_004655.4 (MANE Select); coding-DNA position 2131, C replaced by G.
Protein change: p.Pro711Ala; replaces proline 711 with alanine.
Molecular consequence: missense variant.
Genome position (GRCh38, 1-based): chr17:65,536,330, G>C on the plus strand (C>G on the coding strand, the complement: AXIN2 is on the minus strand). VCF-style: chr17-65536330-G-C. GRCh37 (hg19) VCF-style: chr17-63532448-G-C.
Other names: c.1936C>G, p.Pro646Ala (NM_001363813.1); short protein forms P646A, P711A.
Identifiers: ClinVar variation 1510486 (VCV001510486.11), dbSNP rs1567753924, ClinGen allele CA400675924.